The following is an entry in ClinVar:

NM_001080517.3(SETD5):c.2212A>G (p.Met738Val)

Gene: SETD5 (SET domain containing 5; plus strand). Cytogenetic location: 3p25.3.
Variant type: single nucleotide variant.
Coding change: c.2212A>G on transcript NM_001080517.3 (MANE Select); coding-DNA position 2212, A replaced by G.
Protein change: p.Met738Val; replaces methionine 738 with valine.
Molecular consequence: missense variant.
Genome position (GRCh38, 1-based): chr3:9,448,496, A>G. VCF-style: chr3-9448496-A-G. GRCh37 (hg19) VCF-style: chr3-9490180-A-G.
Other names: c.1918A>G, p.Met640Val (NM_001292043.2, NM_001349451.2); c.2308A>G, p.Met770Val (NM_001437633.1); c.2269A>G, p.Met757Val (NM_001437635.1); c.2212A>G, p.Met738Val (NM_001437643.1); c.2251A>G, p.Met751Val (NM_001437701.1); short protein forms M738V, M757V, M640V, M751V, M770V.
Identifiers: ClinVar variation 4630622 (VCV004630622.1).

ClinVar aggregate classification (germline): Uncertain significance (1 of 4 stars; one submission).

Conditions:
Inborn genetic diseases. Identifiers: MedGen C0950123, MeSH D030342.

gnomAD v4.1: 2 of 1,613,960 alleles (0.00012%); highest among the groups gnomAD compares: South Asian, 0.0011%; no homozygotes.

Submission:

Ambry Genetics
Classification: Uncertain significance for Inborn genetic diseases. Last evaluated: 2025-10-21. Review status: criteria provided, single submitter. Criteria: Ambry Variant Classification Scheme 2023. Collection method: clinical testing. Allele origin: germline.
Comment: The c.2212A>G (p.M738V) alteration is located in exon 16 (coding exon 14) of the SETD5 gene. This alteration results from a A to G substitution at nucleotide position 2212, causing the methionine (M) at amino acid position 738 to be replaced by a valine (V). Based on data from gnomAD, the G allele has an overall frequency of <0.001% (1/249238) total alleles studied. The highest observed frequency was 0.003% (1/30600) of South Asian alleles. Based on insufficient or conflicting evidence, the clinical significance of this alteration remains unclear.